The following is an entry in ClinVar:

ClinVar aggregate classification (germline): Uncertain significance. Review status: criteria provided, multiple submitters, no conflicts (2 of 4 stars). 2 submissions from 2 submitters: Uncertain significance (2). Last evaluated 2023-09-08.

Allele frequency attached by ClinVar (database versions not stated): gnomAD exomes below 0.00001; TOPMed below 0.00001.
gnomAD v4.1: 4 of 1,613,014 alleles (0.00025%); highest among the groups gnomAD compares: Non-Finnish European, 0.00034%; no homozygotes.

Submissions (2):

Labcorp Genetics (formerly Invitae), Labcorp
Classification: Uncertain significance. Last evaluated: 2023-09-08. Review status: criteria provided, single submitter. Criteria: Invitae Variant Classification Sherloc (09022015). Collection method: clinical testing. Allele origin: germline.
Comment: This variant is not present in population databases (gnomAD no frequency). This variant has not been reported in the literature in individuals affected with RINT1-related conditions. ClinVar contains an entry for this variant (Variation ID: 1784373). An algorithm developed to predict the effect of missense changes on protein structure and function (PolyPhen-2) suggests that this variant is likely to be disruptive. In summary, the available evidence is currently insufficient to determine the role of this variant in disease. Therefore, it has been classified as a Variant of Uncertain Significance. This sequence change replaces aspartic acid, which is acidic and polar, with glycine, which is neutral and non-polar, at codon 67 of the RINT1 protein (p.Asp67Gly).

Ambry Genetics
Classification: Uncertain significance. Last evaluated: 2022-06-24. Review status: criteria provided, single submitter. Criteria: Ambry Variant Classification Scheme 2023. Collection method: clinical testing. Allele origin: germline.
Comment: The p.D67G variant (also known as c.200A>G), located in coding exon 3 of the RINT1 gene, results from an A to G substitution at nucleotide position 200. The aspartic acid at codon 67 is replaced by glycine, an amino acid with similar properties. This amino acid position is conserved. In addition, the in silico prediction for this alteration is inconclusive. Since supporting evidence is limited at this time, the clinical significance of this alteration remains unclear.

NM_021930.6(RINT1):c.200A>G (p.Asp67Gly)

Gene: RINT1 (RAD50 interactor 1; plus strand). Cytogenetic location: 7q22.3.
Variant type: single nucleotide variant.
Coding change: c.200A>G on transcript NM_021930.6 (MANE Select); coding-DNA position 200, A replaced by G.
Protein change: p.Asp67Gly; replaces aspartic acid 67 with glycine.
Molecular consequence: missense variant. On other transcripts: 5 prime UTR variant (3), non-coding transcript variant (1), intron variant (1).
Genome position (GRCh38, 1-based): chr7:105,536,676, A>G. VCF-style: chr7-105536676-A-G. GRCh37 (hg19) VCF-style: chr7-105177123-A-G.
Other names: c.-820A>G (NM_001346600.2); c.-723A>G (NM_001346601.2); c.-343A>G (NM_001346603.2); c.39+64A>G (NM_001346599.2); short protein forms D67G.
Identifiers: ClinVar variation 1784373 (VCV001784373.5), dbSNP rs1790249805, ClinGen allele CA368800419.